The following is an entry in ClinVar:

NM_130468.4(CHST14):c.1004G>T (p.Ser335Ile)

Gene: CHST14 (carbohydrate sulfotransferase 14; plus strand). Cytogenetic location: 15q15.1.
Variant type: single nucleotide variant.
Coding change: c.1004G>T on transcript NM_130468.4 (MANE Select); coding-DNA position 1004, G replaced by T.
Protein change: p.Ser335Ile; replaces serine 335 with isoleucine.
Molecular consequence: missense variant.
Genome position (GRCh38, 1-based): chr15:40,472,217, G>T. VCF-style: chr15-40472217-G-T. GRCh37 (hg19) VCF-style: chr15-40764416-G-T.
Other names: short protein forms S335I.
Identifiers: ClinVar variation 1952211 (VCV001952211.5), dbSNP rs2543006692, ClinGen allele CA391768542.

ClinVar aggregate classification (germline): Uncertain significance (1 of 4 stars; one submission).

Conditions:
Ehlers-Danlos syndrome, musculocontractural type (EDSMC). Also called: ARTHROGRYPOSIS, DISTAL, WITH PECULIAR FACIES AND HYDRONEPHROSIS; Adducted thumb, clubfoot, progressive joint and skin laxity syndrome; DUNDAR SYNDROME; ADDUCTED THUMB-CLUBFOOT SYNDROME. Identifiers: Orphanet 2953, MedGen C1866294, MONDO:0011142.

Allele frequency attached by ClinVar (database versions not stated): gnomAD exomes below 0.00001.
gnomAD v4.1: 3 of 1,614,174 alleles (0.00019%); highest among the groups gnomAD compares: South Asian, 0.0011%; no homozygotes.

Submission:

Labcorp Genetics (formerly Invitae), Labcorp
Classification: Uncertain significance for Ehlers-Danlos syndrome, musculocontractural type. Last evaluated: 2022-07-23. Review status: criteria provided, single submitter. Criteria: Invitae Variant Classification Sherloc (09022015). Collection method: clinical testing. Allele origin: germline.
Comment: In summary, the available evidence is currently insufficient to determine the role of this variant in disease. Therefore, it has been classified as a Variant of Uncertain Significance. Algorithms developed to predict the effect of missense changes on protein structure and function are either unavailable or do not agree on the potential impact of this missense change (SIFT: "Deleterious"; PolyPhen-2: "Benign"; Align-GVGD: "Class C15"). This variant has not been reported in the literature in individuals affected with CHST14-related conditions. This variant is not present in population databases (gnomAD no frequency). This sequence change replaces serine, which is neutral and polar, with isoleucine, which is neutral and non-polar, at codon 335 of the CHST14 protein (p.Ser335Ile).